The following is an entry in ClinVar:

ClinVar aggregate classification (germline): Benign/Likely benign. Review status: criteria provided, multiple submitters, no conflicts (2 of 4 stars). 3 submissions from 3 submitters: Benign (2); Likely benign (1). Last evaluated 2026-08-17.

Conditions:
ALS2-related disorder. Also called: ALS2-Related Spectrum Disorders; ALS2-related disorders; ALS2-related condition. Identifiers: MedGen CN169291.
Infantile-onset ascending hereditary spastic paralysis (IAHSP). Also called: Autosomal Recessive Juvenile Amyotrophic Lateral Sclerosis; Infantile-Onset Ascending Hereditary Spastic Paralysis (IAHSP). Identifiers: Orphanet 293168, MedGen C2931441, MONDO:0011797, OMIM 607225. Disease mechanism: loss of function.

Allele frequency attached by ClinVar (database versions not stated): TOPMed below 0.00001; gnomAD 0.00004; gnomAD exomes 0.00014 and 0.00029; ExAC 0.00027; 1000 Genomes Project 30x 0.00031; 1000 Genomes Project 0.00040.
gnomAD v4.1: 207 of 1,613,214 alleles (0.013%); highest among the groups gnomAD compares: South Asian, 0.22%; 2 homozygotes.

Submissions (3):

PreventionGenetics, part of Exact Sciences
Classification: Likely benign for ALS2-related condition. Last evaluated: 2026-08-17. Review status: criteria provided, single submitter. Criteria: ACMG Guidelines, 2015. Collection method: clinical testing. Allele origin: germline.
Comment: This variant is classified as likely benign based on ACMG/AMP sequence variant interpretation guidelines (Richards et al. 2015 PMID: 25741868, with internal and published modifications).

Labcorp Genetics (formerly Invitae), Labcorp
Classification: Benign for Infantile-onset ascending hereditary spastic paralysis. Last evaluated: 2025-10-17. Review status: criteria provided, single submitter. Criteria: Invitae Variant Classification Sherloc (09022015). Collection method: clinical testing. Allele origin: germline.

Athena Diagnostics
Classification: Benign. Last evaluated: 2025-03-27. Review status: criteria provided, single submitter. Criteria: Athena Diagnostics Criteria. Collection method: clinical testing. Allele origin: unknown.
Comment: The frequency of this variant in the general population is higher than would generally be expected for pathogenic variants in this gene. Computational tools yielded predictions that this variant is unlikely to have an effect on normal RNA splicing. This nucleotide position exhibits low evolutionary conservation.

NM_020919.4(ALS2):c.1158C>A (p.Thr386=)

Gene: ALS2 (alsin Rho guanine nucleotide exchange factor ALS2; minus strand). Cytogenetic location: 2q33.1.
Variant type: single nucleotide variant.
Coding change: c.1158C>A on transcript NM_020919.4 (MANE Select); coding-DNA position 1158, C replaced by A.
Protein change: p.Thr386=; no amino-acid change (threonine 386 retained).
Molecular consequence: synonymous variant.
Genome position (GRCh38, 1-based): chr2:201,757,715, G>T on the plus strand (C>A on the coding strand, the complement: ALS2 is on the minus strand). VCF-style: chr2-201757715-G-T. GRCh37 (hg19) VCF-style: chr2-202622438-G-T.
Other names: c.1158C>A (NM_020919.3).
Identifiers: ClinVar variation 1598964 (VCV001598964.10), dbSNP rs565166366, ClinGen allele CA2058505.